The following is an entry in ClinVar:

NM_001737.5(C9):c.1039_1042del (p.Ser347fs)

Gene: C9 (complement C9; minus strand). Cytogenetic location: 5p13.1.
Variant type: Deletion.
Coding change: c.1039_1042del on transcript NM_001737.5 (MANE Select); coding-DNA positions 1039 to 1042, 4 bases deleted (AGTA; older notation c.1039_1042delAGTA).
Protein change: p.Ser347fs; shifts the reading frame from serine 347.
Molecular consequence: frameshift variant.
Genome position (GRCh38, 1-based): chr5:39,311,206-39,311,209, TACT deleted on the plus strand (AGTA on the coding strand, the reverse complement: C9 is on the minus strand). VCF-style (leftmost placement, unchanged base first): chr5-39311205-CTACT-C. GRCh37 (hg19) VCF-style: chr5-39311307-CTACT-C.
Other names: short protein forms S347fs.
Identifiers: ClinVar variation 1457531 (VCV001457531.8), dbSNP rs1027370764, ClinGen allele CA117172603.

ClinVar aggregate classification (germline): Pathogenic/Likely pathogenic. Review status: criteria provided, multiple submitters, no conflicts (2 of 4 stars). 2 submissions from 2 submitters: Pathogenic (1); Likely pathogenic (1). Last evaluated 2026-01-24.

Conditions:
Age related macular degeneration 15. Also called: MACULAR DEGENERATION, AGE-RELATED, 15, SUSCEPTIBILITY TO. Identifiers: MedGen C3810042, MONDO:0014266, OMIM 615591.
Complement component 9 deficiency (C9D). Also called: C9 deficiency. Identifiers: MedGen C3151189, MONDO:0013445, OMIM 613825.

Allele frequency attached by ClinVar (database versions not stated): TOPMed 0.00018.

Submissions (2):

Labcorp Genetics (formerly Invitae), Labcorp
Classification: Pathogenic. Last evaluated: 2026-01-24. Review status: criteria provided, single submitter. Criteria: Invitae Variant Classification Sherloc (09022015). Collection method: clinical testing. Allele origin: germline.
Comment: This sequence change creates a premature translational stop signal (p.Ser347Alafs*5) in the C9 gene. It is expected to result in an absent or disrupted protein product. Loss-of-function variants in C9 are known to be pathogenic (PMID: 9144525, 9570574). This variant is not present in population databases (gnomAD no frequency). This variant has not been reported in the literature in individuals affected with C9-related conditions. ClinVar contains an entry for this variant (Variation ID: 1457531). For these reasons, this variant has been classified as Pathogenic.

Center for Genomics, Ann and Robert H. Lurie Children's Hospital of Chicago
Classification: Likely pathogenic for Complement component 9 deficiency; Age related macular degeneration 15. Review status: criteria provided, single submitter. Criteria: ACMG Guidelines, 2015. Collection method: clinical testing. Allele origin: germline.
Comment: C9 NM_001737.4 exon 7 p.Ser347Alafs*5 (c.1038_1042delinsT): This variant has not been reported in the literature and is not present in large control databases. Evolutionary conservation and computational predictive tools for this variant are limited or unavailable. This variant is a deletion of 5 nucleotides at position 1038-1042 with the insertion of a T, and creates a premature stop codon 4 amino acids downstream from this location which results in an absent or abnormal protein. Loss of function variants are a known mechanism of disease for this gene (Witzel-Schlomp 1997 PMID:9144525). In summary, data on this variant is highly suspicious for disease, but requires further evidence for pathogenicity. Therefore, this variant is classified as Likely Pathogenic

Literature cited by the submitters: PubMed 9144525 (cited by Labcorp Genetics (formerly Invitae), Labcorp); PubMed 9570574 (cited by Labcorp Genetics (formerly Invitae), Labcorp).